The following is an entry in ClinVar:

ClinVar aggregate classification (germline): Uncertain significance (1 of 4 stars; one submission).

Conditions:
Ichthyosis linearis circumflexa. Identifiers: MedGen C0265962, MONDO:0043106, HP:0025810.

Allele frequency attached by ClinVar (database versions not stated): gnomAD exomes below 0.00001.
gnomAD v4.1: 1 of 1,613,934 alleles (0.000062%); highest among the groups gnomAD compares: Non-Finnish European, 0.000085%; no homozygotes.

Submission:

Labcorp Genetics (formerly Invitae), Labcorp
Classification: Uncertain significance for Ichthyosis linearis circumflexa. Last evaluated: 2020-07-08. Review status: criteria provided, single submitter. Criteria: Invitae Variant Classification Sherloc (09022015). Collection method: clinical testing. Allele origin: germline.
Comment: In summary, the available evidence is currently insufficient to determine the role of this variant in disease. Therefore, it has been classified as a Variant of Uncertain Significance. Algorithms developed to predict the effect of missense changes on protein structure and function are either unavailable or do not agree on the potential impact of this missense change (SIFT: "Deleterious"; PolyPhen-2: "Probably Damaging"; Align-GVGD: "Class C0"). This variant has not been reported in the literature in individuals with SPINK5-related conditions. This variant is not present in population databases (ExAC no frequency). This sequence change replaces proline with serine at codon 1012 of the SPINK5 protein (p.Pro1012Ser). The proline residue is highly conserved and there is a moderate physicochemical difference between proline and serine.

NM_006846.4(SPINK5):c.3034C>T (p.Pro1012Ser)

Gene: SPINK5 (serine peptidase inhibitor Kazal type 5; plus strand). Cytogenetic location: 5q32.
Variant type: single nucleotide variant.
Coding change: c.3034C>T on transcript NM_006846.4 (MANE Select); coding-DNA position 3034, C replaced by T.
Protein change: p.Pro1012Ser; replaces proline 1012 with serine.
Molecular consequence: missense variant.
Genome position (GRCh38, 1-based): chr5:148,131,328, C>T. VCF-style: chr5-148131328-C-T. GRCh37 (hg19) VCF-style: chr5-147510891-C-T.
Other names: c.3124C>T, p.Pro1042Ser (NM_001127698.2); short protein forms P1012S, P1042S.
Identifiers: ClinVar variation 1054972 (VCV001054972.9), dbSNP rs1754566941, ClinGen allele CA361652135.